The following is an entry in ClinVar:

ClinVar aggregate classification (germline): Uncertain significance (1 of 4 stars; one submission).

Conditions:
Hereditary cancer-predisposing syndrome. Also called: Tumor predisposition; Hereditary neoplastic syndrome; Hereditary Cancer Syndrome; Neoplastic Syndromes, Hereditary. Identifiers: Orphanet 140162, MedGen C0027672, MeSH D009386, MONDO:0015356.

Submission:

Ambry Genetics
Classification: Uncertain significance for Hereditary cancer-predisposing syndrome. Last evaluated: 2024-03-04. Review status: criteria provided, single submitter. Criteria: Ambry Variant Classification Scheme 2023. Collection method: clinical testing. Allele origin: germline.
Comment: The p.E62K variant (also known as c.184G>A), located in coding exon 3 of the NBN gene, results from a G to A substitution at nucleotide position 184. The glutamic acid at codon 62 is replaced by lysine, an amino acid with similar properties. This amino acid position is well conserved in available vertebrate species. In addition, this alteration is predicted to be tolerated by in silico analysis. Based on the available evidence, the clinical significance of this alteration remains unclear.

NM_002485.5(NBN):c.184G>A (p.Glu62Lys)

Gene: NBN (nibrin; minus strand). Cytogenetic location: 8q21.3.
Variant type: single nucleotide variant.
Coding change: c.184G>A on transcript NM_002485.5 (MANE Select); coding-DNA position 184, G replaced by A.
Protein change: p.Glu62Lys; replaces glutamic acid 62 with lysine.
Molecular consequence: missense variant. On other transcripts: 5 prime UTR variant (1).
Genome position (GRCh38, 1-based): chr8:89,981,511, C>T on the plus strand (G>A on the coding strand, the complement: NBN is on the minus strand). VCF-style: chr8-89981511-C-T. GRCh37 (hg19) VCF-style: chr8-90993739-C-T.
Other names: c.-63G>A (NM_001024688.3); short protein forms E62K.
Identifiers: ClinVar variation 3222415 (VCV003222415.1), dbSNP rs2488361617, ClinGen allele CA371662618.